The following is an entry in ClinVar:

ClinVar aggregate classification (germline): Likely pathogenic (3 of 4 stars; one submission).

Conditions:
Glanzmann thrombasthenia. Also called: BLEEDING DISORDER, PLATELET-TYPE, 2; THROMBASTHENIA OF GLANZMANN AND NAEGELI; PLATELET GLYCOPROTEIN IIb-IIIa DEFICIENCY; Thrombasthenia; Glanzmann's thrombasthenia. Identifiers: Orphanet 849, MedGen C0040015, MONDO:0100326.

Submission:

ClinGen Platelet Disorders Variant Curation Expert Panel, ClinGen
Classification: Likely pathogenic for Glanzmann thrombasthenia. Last evaluated: 2025-06-19. Review status: reviewed by expert panel. Criteria: ClinGen Platelet ACMG Specifications v2-1. Collection method: curation. Allele origin: germline. Inheritance: Autosomal recessive inheritance.
Comment: NM_000212.3(ITGB3):c.450G>A (p.Met150Ile) has a computational predictor REVEL gives a score of 0.908, which is above the ClinGen Platelet Disorders VCEP threshold of >0.7 and predicts a damaging effect on function (PP3). Another missense variant NM_000212.3(ITGB3):c.448A>G (p.Met150Val) in the same codon has been classified as likely pathogenic for Glanzmann thrombasthenia by the ClinGen PD VCEP (PM5_supporting). The highest population minor allele frequency in gnomAD v4.1 is 8.474e-7 (1/1180040 alleles) in the European (non-Finnish) population, which is lower than the ClinGen Platelet Disorders VCEP threshold (<0.0001; PM2_Supporting). At least one homozygous (PM3_supporting) patient (Patient 6 in PMID: 40239810) with this variant displayed mucocutaneous bleeding and impaired aggregation with all agonists except ristocetin, which is highly specific for Glanzmann thrombasthenia (PP4_moderate). Additionally, αIIbβ3 surface expression was reduced to 2.7% (<25%), as measured by flow cytometry (PP4_Moderate). In summary, this variant meets the criteria to be classified as likely pathogenic for autosomal recessive Glanzmann Thrombasthenia based on the ACMG/AMP criteria applied, as specified by the ClinGen PD VCEP: PP4_moderate, PM3_supporting, PM2_supporting, PP3, PM5_supporting. (VCEP specifications version 2).

NM_000212.3(ITGB3):c.450G>A (p.Met150Ile)

Gene: ITGB3 (integrin subunit beta 3; plus strand). Cytogenetic location: 17q21.32.
Variant type: single nucleotide variant.
Coding change: c.450G>A on transcript NM_000212.3 (MANE Select); coding-DNA position 450, G replaced by A.
Protein change: p.Met150Ile; replaces methionine 150 with isoleucine.
Molecular consequence: missense variant.
Genome position (GRCh38, 1-based): chr17:47,284,531, G>A. VCF-style: chr17-47284531-G-A. GRCh37 (hg19) VCF-style: chr17-45361897-G-A.
Other names: NM_000212.3:c.450G>A; short protein forms M150I.
Identifiers: ClinVar variation 4088267 (VCV004088267.1).
Genomic context (GRCh38, chr17:47,284,531, plus strand): 5'-GCGGCAGGTGGAGGATTACCCTGTGGACATCTACTACTTGATGGACCTGTCTTACTCCAT[G>A]AAGGATGATCTGTGGAGCATCCAGAACCTGGGTACCAAGCTGGCCACCCAGATGCGAAAG-3'
Protein context (NP_000203.2, residues 140-160): IYYLMDLSYS[Met150Ile]KDDLWSIQNL